The following is an entry in ClinVar:

NM_001165963.4(SCN1A):c.*1739C>T

Genes: SCN1A (sodium voltage-gated channel alpha subunit 1; minus strand), LOC102724058 (uncharacterized LOC102724058; plus strand). Cytogenetic location: 2q24.3.
Variant type: single nucleotide variant.
Coding change: c.*1739C>T on transcript NM_001165963.4 (MANE Select); 1739 bases downstream of the stop codon, C replaced by T.
Molecular consequence: 3 prime UTR variant. On other transcripts: non-coding transcript variant (1).
Genome position (GRCh38, 1-based): chr2:165,989,506, G>A on the plus strand (C>T on the coding strand, the complement: SCN1A is on the minus strand). VCF-style: chr2-165989506-G-A. GRCh37 (hg19) VCF-style: chr2-166846016-G-A.
Other names: c.*1739C>T (NM_001165964.3, NM_001202435.3, NM_001353948.2 and 11 more transcripts).
Identifiers: ClinVar variation 331862 (VCV000331862.9), dbSNP rs1813502, ClinGen allele CA10612737.

ClinVar aggregate classification (germline): Benign. Review status: criteria provided, multiple submitters, no conflicts (2 of 4 stars). 4 submissions from 3 submitters: Benign (4). Last evaluated 2021-05-14.

Conditions:
Migraine, familial hemiplegic, 3. Identifiers: Orphanet 569, MedGen C1864987, MONDO:0012320, OMIM 609634.
Generalized epilepsy with febrile seizures plus, type 2 (GEFSP2). Also called: GEFS+, TYPE 2. Identifiers: Orphanet 36387, MedGen C1858673, MONDO:0011461, OMIM 604403.

Allele frequency attached by ClinVar (database versions not stated): gnomAD exomes 0.54762; gnomAD 0.70012 and 0.70050; TOPMed 0.71693; 1000 Genomes Project 0.75879; 1000 Genomes Project 30x 0.76327.
gnomAD v4.1: 106,287 of 152,128 alleles (70%); highest among the groups gnomAD compares: African/African-American, 86%; 38,170 homozygotes.

Submissions (4):

GeneDx
Classification: Benign. Last evaluated: 2021-05-14. Review status: criteria provided, single submitter. Criteria: GeneDx Variant Classification Process June 2021. Collection method: clinical testing. Allele origin: germline. Affected: yes.

Illumina Laboratory Services, Illumina
Classification: Benign for Migraine, familial hemiplegic, 3. Last evaluated: 2018-01-12. Review status: criteria provided, single submitter. Criteria: ICSL Variant Classification Criteria 13 December 2019. Collection method: clinical testing. Allele origin: germline.
Comment: This variant was observed in the ICSL laboratory as part of a predisposition screen in an ostensibly healthy population. It had not been previously curated by ICSL or reported in the Human Gene Mutation Database (HGMD: prior to June 1st, 2018), and was therefore a candidate for classification through an automated scoring system. Utilizing variant allele frequency, disease prevalence and penetrance estimates, and inheritance mode, an automated score was calculated to assess if this variant is too frequent to cause the disease. Based on the score and internal cut-off values, a variant classified as benign is not then subjected to further curation. The score for this variant resulted in a classification of benign for this disease.

Illumina Laboratory Services, Illumina
Classification: Benign for Generalized epilepsy with febrile seizures plus, type 2. Last evaluated: 2018-01-12. Review status: criteria provided, single submitter. Criteria: ICSL Variant Classification Criteria 13 December 2019. Collection method: clinical testing. Allele origin: germline.
Comment: the same text as in the submission from Illumina Laboratory Services, Illumina above.

Breakthrough Genomics
Classification: Benign. Review status: criteria provided, single submitter. Criteria: ACMG Guidelines, 2015. Collection method: not provided. Allele origin: germline. Inheritance: Autosomal dominant inheritance. Affected: yes.